The following is an entry in ClinVar:

ClinVar aggregate classification (germline): Uncertain significance (1 of 4 stars; one submission).

Conditions:
Hereditary cancer-predisposing syndrome. Also called: Hereditary neoplastic syndrome; Hereditary Cancer Syndrome; Neoplastic Syndromes, Hereditary; Tumor predisposition. Identifiers: Orphanet 140162, MedGen C0027672, MeSH D009386, MONDO:0015356.

Submission:

Ambry Genetics
Classification: Uncertain significance for Hereditary cancer-predisposing syndrome. Last evaluated: 2023-06-09. Review status: criteria provided, single submitter. Criteria: Ambry Variant Classification Scheme 2023. Collection method: clinical testing. Allele origin: germline.
Comment: The p.L1042P variant (also known as c.3125T>C), located in coding exon 20 of the ATM gene, results from a T to C substitution at nucleotide position 3125. The leucine at codon 1042 is replaced by proline, an amino acid with similar properties. This amino acid position is conserved. In addition, this alteration is predicted to be deleterious by in silico analysis. Since supporting evidence is limited at this time, the clinical significance of this alteration remains unclear.

NM_000051.4(ATM):c.3125T>C (p.Leu1042Pro)

Gene: ATM (ATM serine/threonine kinase; plus strand). Cytogenetic location: 11q22.3.
Variant type: single nucleotide variant.
Coding change: c.3125T>C on transcript NM_000051.4 (MANE Select); coding-DNA position 3125, T replaced by C.
Protein change: p.Leu1042Pro; replaces leucine 1042 with proline.
Molecular consequence: missense variant.
Genome position (GRCh38, 1-based): chr11:108,272,579, T>C. VCF-style: chr11-108272579-T-C. GRCh37 (hg19) VCF-style: chr11-108143306-T-C.
Other names: c.3125T>C, p.Leu1042Pro (NM_001351834.2); short protein forms L1042P.
Identifiers: ClinVar variation 2568247 (VCV002568247.2), dbSNP rs2135566218, ClinGen allele CA382515243.